The following is an entry in ClinVar:

NM_000096.4(CP):c.1037-3C>A

Gene: CP (ceruloplasmin; minus strand). Cytogenetic location: 3q25.1.
Variant type: single nucleotide variant.
Coding change: c.1037-3C>A on transcript NM_000096.4 (MANE Select); 3 bases into the intron before coding-DNA position 1037, C replaced by A.
Molecular consequence: intron variant.
Genome position (GRCh38, 1-based): chr3:149,206,342, G>T on the plus strand (C>A on the coding strand, the complement: CP is on the minus strand). VCF-style: chr3-149206342-G-T. GRCh37 (hg19) VCF-style: chr3-148924129-G-T.
Identifiers: ClinVar variation 657468 (VCV000657468.11), dbSNP rs754289834, ClinGen allele CA2661158.

ClinVar aggregate classification (germline): Uncertain significance. Review status: criteria provided, multiple submitters, no conflicts (2 of 4 stars). 2 submissions from 2 submitters: Uncertain significance (2). Last evaluated 2018-10-14.

Conditions:
Deficiency of ferroxidase (ACEP). Also called: NEURODEGENERATION WITH BRAIN IRON ACCUMULATION 10; Ceruloplasmin deficiency; Familial apoceruloplasmin deficiency; Hereditary ceruloplasmin deficiency; Aceruloplasminemia; Deficiency of ceruloplasmin. Identifiers: Orphanet 48818, MedGen C0878682, MONDO:0011426, OMIM 604290, HP:0025498.

Allele frequency attached by ClinVar (database versions not stated): gnomAD 0.00001 and 0.00003; gnomAD exomes 0.00002 and 0.00011; TOPMed 0.00003; ExAC 0.00011.
gnomAD v4.1: 43 of 1,613,732 alleles (0.0027%); highest among the groups gnomAD compares: East Asian, 0.087%; no homozygotes.

Submissions (2):

Labcorp Genetics (formerly Invitae), Labcorp
Classification: Uncertain significance for Deficiency of ferroxidase. Last evaluated: 2018-10-14. Review status: criteria provided, single submitter. Criteria: Invitae Variant Classification Sherloc (09022015). Collection method: clinical testing. Allele origin: germline.
Comment: In summary, the available evidence is currently insufficient to determine the role of this variant in disease. Therefore, it has been classified as a Variant of Uncertain Significance. Nucleotide substitutions within the consensus splice site are a relatively common cause of aberrant splicing (PMID: 17576681, 9536098). Algorithms developed to predict the effect of sequence changes on RNA splicing suggest that this variant may disrupt the consensus splice site, but this prediction has not been confirmed by published transcriptional studies. This variant has not been reported in the literature in individuals with CP-related disease. This variant is present in population databases (rs754289834, ExAC 0.2%). This sequence change falls in intron 5 of the CP gene. It does not directly change the encoded amino acid sequence of the CP protein, but it affects a nucleotide within the consensus splice site of the intron.

Illumina Laboratory Services, Illumina
Classification: Uncertain significance for Deficiency of ferroxidase. Last evaluated: 2018-01-12. Review status: criteria provided, single submitter. Criteria: ICSL Variant Classification Criteria 13 December 2019. Collection method: clinical testing. Allele origin: germline.

Literature cited by the submitters: PubMed 17576681 (cited by Labcorp Genetics (formerly Invitae), Labcorp); PubMed 9536098 (cited by Labcorp Genetics (formerly Invitae), Labcorp).